The following is an entry in ClinVar:

NM_182643.3(DLC1):c.394G>C (p.Gly132Arg)

Gene: DLC1 (DLC1 Rho GTPase activating protein; minus strand). Cytogenetic location: 8p22.
Variant type: single nucleotide variant.
Coding change: c.394G>C on transcript NM_182643.3 (MANE Select); coding-DNA position 394, G replaced by C.
Protein change: p.Gly132Arg; replaces glycine 132 with arginine.
Molecular consequence: missense variant. On other transcripts: 5 prime UTR variant (1).
Genome position (GRCh38, 1-based): chr8:13,499,678, C>G on the plus strand (G>C on the coding strand, the complement: DLC1 is on the minus strand). VCF-style: chr8-13499678-C-G. GRCh37 (hg19) VCF-style: chr8-13357187-C-G.
Other names: c.394G>C, p.Gly132Arg (NM_001348081.2, NM_001413124.1, NM_001413125.1 and 1 more transcripts); c.-1058G>C (NM_001348082.2); short protein forms G132R.
Identifiers: ClinVar variation 4811314 (VCV004811314.1).

ClinVar aggregate classification (germline): Uncertain significance (1 of 4 stars; one submission).

Submission:

Labcorp Genetics (formerly Invitae), Labcorp
Classification: Uncertain significance. Last evaluated: 2025-09-04. Review status: criteria provided, single submitter. Criteria: Invitae Variant Classification Sherloc (09022015). Collection method: clinical testing. Allele origin: germline.
Comment: This sequence change replaces glycine, which is neutral and non-polar, with arginine, which is basic and polar, at codon 132 of the DLC1 protein (p.Gly132Arg). This variant is not present in population databases (gnomAD no frequency). This variant has not been reported in the literature in individuals affected with DLC1-related conditions. An algorithm developed to predict the effect of missense changes on protein structure and function outputs the following: PolyPhen-2: "Benign". The arginine amino acid residue is found in multiple mammalian species, which suggests that this missense change does not adversely affect protein function. In summary, the available evidence is currently insufficient to determine the role of this variant in disease. Therefore, it has been classified as a Variant of Uncertain Significance.